The following is an entry in ClinVar:

NM_182914.3(SYNE2):c.19763C>T (p.Thr6588Ile)

Gene: SYNE2 (spectrin repeat containing nuclear envelope protein 2; plus strand). Cytogenetic location: 14q23.2.
Variant type: single nucleotide variant.
Coding change: c.19763C>T on transcript NM_182914.3 (MANE Select); coding-DNA position 19763, C replaced by T.
Protein change: p.Thr6588Ile; replaces threonine 6588 with isoleucine.
Molecular consequence: missense variant.
Genome position (GRCh38, 1-based): chr14:64,219,313, C>T. VCF-style: chr14-64219313-C-T. GRCh37 (hg19) VCF-style: chr14-64686031-C-T.
Other names: c.19694C>T, p.Thr6565Ile (NM_015180.6); c.287C>T, p.Thr96Ile (NM_182910.2); c.665C>T, p.Thr222Ile (NM_182913.4); short protein forms T6588I, T222I, T6565I, T96I.
Identifiers: ClinVar variation 538329 (VCV000538329.8), dbSNP rs752030533, ClinGen allele CA7224579.

ClinVar aggregate classification (germline): Uncertain significance (1 of 4 stars; one submission).

Conditions:
Emery-Dreifuss muscular dystrophy 5, autosomal dominant (EDMD5). Also called: EMERY-DREIFUSS MUSCULAR DYSTROPHY 5. Identifiers: Orphanet 261, MedGen C2751805, MONDO:0013072, OMIM 612999.

Allele frequency attached by ClinVar (database versions not stated): gnomAD exomes below 0.00001 and 0.00001; ExAC 0.00001.
gnomAD v4.1: 6 of 1,613,924 alleles (0.00037%); highest among the groups gnomAD compares: Non-Finnish European, 0.00051%; no homozygotes.

Submission:

Labcorp Genetics (formerly Invitae), Labcorp
Classification: Uncertain significance for Emery-Dreifuss muscular dystrophy 5, autosomal dominant. Last evaluated: 2022-09-13. Review status: criteria provided, single submitter. Criteria: Invitae Variant Classification Sherloc (09022015). Collection method: clinical testing. Allele origin: germline.
Comment: In summary, the available evidence is currently insufficient to determine the role of this variant in disease. Therefore, it has been classified as a Variant of Uncertain Significance. Algorithms developed to predict the effect of missense changes on protein structure and function (SIFT, PolyPhen-2, Align-GVGD) all suggest that this variant is likely to be tolerated. ClinVar contains an entry for this variant (Variation ID: 538329). This variant has not been reported in the literature in individuals affected with SYNE2-related conditions. This variant is present in population databases (rs752030533, gnomAD 0.006%). This sequence change replaces threonine, which is neutral and polar, with isoleucine, which is neutral and non-polar, at codon 6588 of the SYNE2 protein (p.Thr6588Ile).